The following is an entry in ClinVar:

ClinVar aggregate classification (germline): Uncertain significance. Review status: criteria provided, multiple submitters, no conflicts (2 of 4 stars). 3 submissions from 3 submitters: Uncertain significance (2). 1 of the submissions does not count toward it. Last evaluated 2024-04-17.

Conditions:
Hereditary nonpolyposis colorectal neoplasms. Identifiers: MedGen C0009405, MeSH D003123.
Hereditary cancer-predisposing syndrome. Also called: Neoplastic Syndromes, Hereditary; Tumor predisposition; Hereditary Cancer Syndrome; Hereditary neoplastic syndrome. Identifiers: Orphanet 140162, MedGen C0027672, MeSH D009386, MONDO:0015356.
Malignant tumor of breast. Also called: Malignant breast neoplasm; Cancer breast. Identifiers: MedGen C0006142, MONDO:0007254. Disease mechanism: loss of function.

Submissions (3):

Ambry Genetics
Classification: Uncertain significance for Hereditary cancer-predisposing syndrome. Last evaluated: 2024-04-17. Review status: criteria provided, single submitter. Criteria: Ambry Variant Classification Scheme 2023. Collection method: clinical testing. Allele origin: germline.
Comment: The p.V609A variant (also known as c.1826T>C), located in coding exon 11 of the PMS2 gene, results from a T to C substitution at nucleotide position 1826. The valine at codon 609 is replaced by alanine, an amino acid with similar properties. This amino acid position is not well conserved in available vertebrate species. In addition, this alteration is predicted to be tolerated by in silico analysis. Based on the available evidence, the clinical significance of this variant remains unclear.

Labcorp Genetics (formerly Invitae), Labcorp
Classification: Uncertain significance for Hereditary nonpolyposis colorectal neoplasms. Last evaluated: 2023-06-29. Review status: criteria provided, single submitter. Criteria: Invitae Variant Classification Sherloc (09022015). Collection method: clinical testing. Allele origin: germline.
Comment: ClinVar contains an entry for this variant (Variation ID: 820125). Advanced modeling of protein sequence and biophysical properties (such as structural, functional, and spatial information, amino acid conservation, physicochemical variation, residue mobility, and thermodynamic stability) has been performed at Invitae for this missense variant, however the output from this modeling did not meet the statistical confidence thresholds required to predict the impact of this variant on PMS2 protein function. In summary, the available evidence is currently insufficient to determine the role of this variant in disease. Therefore, it has been classified as a Variant of Uncertain Significance. This variant has not been reported in the literature in individuals affected with PMS2-related conditions. This variant is not present in population databases (gnomAD no frequency). This sequence change replaces valine, which is neutral and non-polar, with alanine, which is neutral and non-polar, at codon 609 of the PMS2 protein (p.Val609Ala).

Department of Pathology and Laboratory Medicine, Sinai Health System
Classification: Uncertain significance for Malignant tumor of breast. Review status: no assertion criteria provided. Collection method: clinical testing. Allele origin: unknown. Affected: yes. Study: The Canadian Open Genetics Repository (COGR). Not counted in ClinVar's aggregate classification.
Comment: PMS2, EXON11, c.1826T>C, p.Val609Ala, Heterozygous, Uncertain SignificancernThe PMS2 p.Val609Ala variant was not identified in the literature nor was it identified in the dbSNP and ClinVar databases. The variant was not identified in the following control databases: the Exome Aggregation Consortium (August 8th 2016), or the Genome Aggregation Database (Feb 27, 2017). The p.Val609 residue is not conserved in mammals and computational analyses (PolyPhen-2, SIFT, AlignGVGD, BLOSUM, MutationTaster) do not suggest a high likelihood of impact to the protein; however, this information is not predictive enough to rule out pathogenicity. The variant occurs outside of the splicing consensus sequence and in silico or computational prediction software programs (SpliceSiteFinder, MaxEntScan, NNSPLICE, GeneSplicer) do not predict a difference in splicing. In summary, based on the above information the clinical significance of this variant cannot be determined with certainty at this time. This variant is classified as a variant of uncertain significance. Assessment Date: 2019/07/29

NM_000535.7(PMS2):c.1826T>C (p.Val609Ala)

Gene: PMS2 (PMS1 homolog 2, mismatch repair system component; minus strand). Cytogenetic location: 7p22.1.
Variant type: single nucleotide variant.
Coding change: c.1826T>C on transcript NM_000535.7 (MANE Select); coding-DNA position 1826, T replaced by C.
Protein change: p.Val609Ala; replaces valine 609 with alanine.
Molecular consequence: missense variant. On other transcripts: non-coding transcript variant (1).
Genome position (GRCh38, 1-based): chr7:5,986,939, A>G on the plus strand (T>C on the coding strand, the complement: PMS2 is on the minus strand). VCF-style: chr7-5986939-A-G. GRCh37 (hg19) VCF-style: chr7-6026570-A-G.
Other names: c.1421T>C, p.Val474Ala (NM_001322003.2, NM_001322004.2, NM_001322005.2 and 1 more transcripts); c.1670T>C, p.Val557Ala (NM_001322006.2); c.1508T>C, p.Val503Ala (NM_001322007.2, NM_001322008.2); c.1265T>C, p.Val422Ala (NM_001322010.2); c.893T>C, p.Val298Ala (NM_001322011.2, NM_001322012.2); c.1253T>C, p.Val418Ala (NM_001322013.2); c.1826T>C, p.Val609Ala (NM_001322014.2); c.1517T>C, p.Val506Ala (NM_001322015.2); short protein forms V422A, V298A, V418A, V474A, V503A, V506A, V557A, V609A.
Identifiers: ClinVar variation 820125 (VCV000820125.10), dbSNP rs1583315021, ClinGen allele CA366739699.
Genomic context (GRCh38, chr7:5,986,939, plus strand): 5'-ATTCGTTTAGCTAAAGAACTCATAGAAAAGTCCAGGGGCACAACTTTCTTATTAATTTTC[A>G]CAGCTACATCAACCTGAGAGGCTGACATGTCCTGAGTATTTACTAACTTTTGACAAATGT-3'
Protein context (NP_000526.2, residues 599-619): DMSASQVDVA[Val609Ala]KINKKVVPLD